The following is an entry in ClinVar:

ClinVar aggregate classification (germline): Uncertain significance. Review status: criteria provided, multiple submitters, no conflicts (2 of 4 stars). 2 submissions from 2 submitters: Uncertain significance (2). Last evaluated 2025-11-25.

Conditions:
Hereditary cancer-predisposing syndrome. Also called: Hereditary Cancer Syndrome; Hereditary neoplastic syndrome; Tumor predisposition; Neoplastic Syndromes, Hereditary. Identifiers: Orphanet 140162, MedGen C0027672, MeSH D009386, MONDO:0015356.
Familial adenomatous polyposis 1 (FAP1). Also called: FAMILIAL ADENOMATOUS POLYPOSIS 1, ATTENUATED; POLYPOSIS, ADENOMATOUS INTESTINAL. Identifiers: MedGen C2713442, MONDO:0021056, OMIM 175100. Disease mechanism: loss of function.

Submissions (2):

Ambry Genetics
Classification: Uncertain significance for Hereditary cancer-predisposing syndrome. Last evaluated: 2025-11-25. Review status: criteria provided, single submitter. Criteria: Ambry Variant Classification Scheme 2023. Collection method: clinical testing. Allele origin: germline.
Comment: The p.V1352F variant (also known as c.4054G>T), located in coding exon 15 of the APC gene, results from a G to T substitution at nucleotide position 4054. The valine at codon 1352 is replaced by phenylalanine, an amino acid with highly similar properties. This amino acid position is conserved. In addition, in silico predictors for this gene do not accurately predict pathogenicity. Based on the available evidence, the clinical significance of this variant remains unclear.

Labcorp Genetics (formerly Invitae), Labcorp
Classification: Uncertain significance for Familial adenomatous polyposis 1. Last evaluated: 2019-11-22. Review status: criteria provided, single submitter. Criteria: Invitae Variant Classification Sherloc (09022015). Collection method: clinical testing. Allele origin: germline.
Comment: In summary, the available evidence is currently insufficient to determine the role of this variant in disease. Therefore, it has been classified as a Variant of Uncertain Significance. Algorithms developed to predict the effect of missense changes on protein structure and function are either unavailable or do not agree on the potential impact of this missense change (SIFT: "Deleterious"; PolyPhen-2: "Possibly Damaging"; Align-GVGD: "Class C0"). This variant has not been reported in the literature in individuals with APC-related conditions. This variant is not present in population databases (ExAC no frequency). This sequence change replaces valine with phenylalanine at codon 1352 of the APC protein (p.Val1352Phe). The valine residue is highly conserved and there is a small physicochemical difference between valine and phenylalanine.

NM_000038.6(APC):c.4054G>T (p.Val1352Phe)

Gene: APC (APC regulator of Wnt signaling pathway; plus strand). Cytogenetic location: 5q22.2.
Variant type: single nucleotide variant.
Coding change: c.4054G>T on transcript NM_000038.6 (MANE Select); coding-DNA position 4054, G replaced by T.
Protein change: p.Val1352Phe; replaces valine 1352 with phenylalanine.
Molecular consequence: missense variant.
Genome position (GRCh38, 1-based): chr5:112,839,648, G>T. VCF-style: chr5-112839648-G-T. GRCh37 (hg19) VCF-style: chr5-112175345-G-T.
Other names: c.4054G>T, p.Val1352Phe (NM_001127510.3, NM_001354895.2); c.4000G>T, p.Val1334Phe (NM_001127511.3); c.4108G>T, p.Val1370Phe (NM_001354896.2); c.4084G>T, p.Val1362Phe (NM_001354897.2); c.3979G>T, p.Val1327Phe (NM_001354898.2); c.3970G>T, p.Val1324Phe (NM_001354899.2); c.3931G>T, p.Val1311Phe (NM_001354900.2); c.3877G>T, p.Val1293Phe (NM_001354901.2); and 5 more; short protein forms V1261F, V1334F, V1370F, V1069F, V1293F, V1327F, V1362F, V1192F.
Identifiers: ClinVar variation 841277 (VCV000841277.12), dbSNP rs1765590845, ClinGen allele CA16030217.